The following is an entry in ClinVar:

NM_015909.4(NBAS):c.1912A>G (p.Ile638Val)

Gene: NBAS (NBAS subunit of NRZ tethering complex; minus strand). Cytogenetic location: 2p24.3.
Variant type: single nucleotide variant.
Coding change: c.1912A>G on transcript NM_015909.4 (MANE Select); coding-DNA position 1912, A replaced by G.
Protein change: p.Ile638Val; replaces isoleucine 638 with valine.
Molecular consequence: missense variant. On other transcripts: non-coding transcript variant (1).
Genome position (GRCh38, 1-based): chr2:15,467,770, T>C on the plus strand (A>G on the coding strand, the complement: NBAS is on the minus strand). VCF-style: chr2-15467770-T-C. GRCh37 (hg19) VCF-style: chr2-15607894-T-C.
Other names: c.1912A>G (NM_015909.2); short protein forms I638V.
Identifiers: ClinVar variation 1932971 (VCV001932971.6), dbSNP rs147552737, ClinGen allele CA1536520.
Genomic context (GRCh38, chr2:15,467,770, plus strand): 5'-CCTTTTCCTTTTTATTCTTGGCAGGCTCTTCATCAGGTGGTGAAAGCTCTTCATAGGAGA[T>C]ACTGTCAATGTCTATTTCACCAGGTAATGTAAATCTGCAAGTATAAAAGAACAAATATAT-3'
Protein context (NP_056993.2, residues 628-648): TLPGEIDIDS[Ile638Val]SYEELSPPDE

ClinVar aggregate classification (germline): Uncertain significance. Review status: criteria provided, multiple submitters, no conflicts (2 of 4 stars). 2 submissions from 2 submitters: Uncertain significance (2). Last evaluated 2024-04-16.

Conditions:
Inborn genetic diseases. Identifiers: MedGen C0950123, MeSH D030342.

Allele frequency attached by ClinVar (database versions not stated): TOPMed below 0.00001; gnomAD exomes 0.00001; ExAC 0.00002; ESP Exome Variant Server 0.00008.
gnomAD v4.1: 12 of 1,594,722 alleles (0.00075%); highest among the groups gnomAD compares: South Asian, 0.0022%; no homozygotes.

Submissions (2):

Ambry Genetics
Classification: Uncertain significance for Inborn genetic diseases. Last evaluated: 2024-04-16. Review status: criteria provided, single submitter. Criteria: Ambry Variant Classification Scheme 2023. Collection method: clinical testing. Allele origin: germline.

Labcorp Genetics (formerly Invitae), Labcorp
Classification: Uncertain significance. Last evaluated: 2022-04-17. Review status: criteria provided, single submitter. Criteria: Invitae Variant Classification Sherloc (09022015). Collection method: clinical testing. Allele origin: germline.
Comment: This sequence change replaces isoleucine, which is neutral and non-polar, with valine, which is neutral and non-polar, at codon 638 of the NBAS protein (p.Ile638Val). This variant is present in population databases (rs147552737, gnomAD 0.002%). This variant has not been reported in the literature in individuals affected with NBAS-related conditions. Algorithms developed to predict the effect of missense changes on protein structure and function output the following: SIFT: "Deleterious"; PolyPhen-2: "Benign"; Align-GVGD: "Class C25". The valine amino acid residue is found in multiple mammalian species, which suggests that this missense change does not adversely affect protein function. In summary, the available evidence is currently insufficient to determine the role of this variant in disease. Therefore, it has been classified as a Variant of Uncertain Significance.